The following is an entry in ClinVar:

ClinVar aggregate classification (germline): Benign/Likely benign. Review status: criteria provided, multiple submitters, no conflicts (2 of 4 stars). 14 submissions from 12 submitters: Benign (9); Likely benign (5). Last evaluated 2026-09-01.

Conditions:
Nephronophthisis. Also called: Juvenile Nephronophthisis. Identifiers: Orphanet 655, MedGen C0687120, MONDO:0019005, HP:0000090.
Intellectual disability, X-linked 102 (MRXSSB). Also called: Intellectual developmental disorder, X-linked syndromic, Snijders Blok type. Identifiers: Orphanet 457260, MedGen C5393299, MONDO:0010497, OMIM 300958.
Joubert syndrome 1 (JBTS1). Also called: Cerebellooculorenal syndrome 1; CEREBELLOPARENCHYMAL DISORDER IV. Identifiers: MedGen C4551568, MONDO:0008944, OMIM 213300.
Senior-Loken syndrome 1 (SLSN1). Also called: JUVENILE NEPHRONOPHTHISIS WITH LEBER AMAUROSIS. Identifiers: Orphanet 3156, MedGen C4551559, MONDO:0009962, OMIM 266900.
Joubert syndrome with renal defect. Also called: JOUBERT SYNDROME 4. Identifiers: Orphanet 220497, MedGen C1846790, MONDO:0012308, OMIM 609583.
Nephronophthisis 1 (NPHP1). Also called: Nephronophthisis familial juvenile. Identifiers: Orphanet 655, Orphanet 93592, MedGen C1855681, MONDO:0009728, OMIM 256100.

Allele frequency attached by ClinVar (database versions not stated): gnomAD 0.00366 and 0.00370; 1000 Genomes Project 0.00579; 1000 Genomes Project 30x 0.00671; TOPMed 0.00356; ExAC 0.00557; gnomAD exomes 0.00752; ESP Exome Variant Server 0.00046.
gnomAD v4.1: 2,933 of 1,614,002 alleles (0.18%); highest among the groups gnomAD compares: Admixed American, 4.5%; 71 homozygotes.

Submissions (14):

CeGaT Center for Human Genetics Tuebingen
Classification: Benign. Last evaluated: 2026-09-01. Review status: criteria provided, single submitter. Criteria: CeGaT Center For Human Genetics Tuebingen Variant Classification Criteria Version 2. Collection method: clinical testing. Allele origin: germline. Affected: yes. Observed: 39 variant alleles.
Comment: NPHP1: BS1, BS2

Labcorp Genetics (formerly Invitae), Labcorp
Classification: Benign for Nephronophthisis. Last evaluated: 2026-02-01. Review status: criteria provided, single submitter. Criteria: Invitae Variant Classification Sherloc (09022015). Collection method: clinical testing. Allele origin: germline.

Mayo Clinic Laboratories, Mayo Clinic
Classification: Benign. Last evaluated: 2024-10-23. Review status: criteria provided, single submitter. Criteria: ACMG Guidelines, 2015. Collection method: clinical testing. Allele origin: germline. Observed: 19 variant alleles.
Comment: BA1, BP4

Women's Health and Genetics/Laboratory Corporation of America, LabCorp
Classification: Likely benign. Last evaluated: 2022-05-03. Review status: criteria provided, single submitter. Criteria: LabCorp Variant Classification Summary - May 2015. Collection method: clinical testing. Allele origin: germline.

Mendelics
Classification: Benign for Joubert syndrome 1. Last evaluated: 2019-05-28. Review status: criteria provided, single submitter. Criteria: Mendelics Assertion Criteria 2017. Collection method: clinical testing. Allele origin: unknown.

GeneDx
Classification: Benign. Last evaluated: 2018-09-18. Review status: criteria provided, single submitter. Criteria: GeneDx Variant Classification Process June 2021. Collection method: clinical testing. Allele origin: germline. Affected: yes.
Comment: This variant is associated with the following publications: (PMID: 27535533, 24746959)

Illumina Laboratory Services, Illumina
Classification: Likely benign for Nephronophthisis 1. Last evaluated: 2017-04-28. Review status: criteria provided, single submitter. Criteria: ICSL Variant Classification Criteria 13 December 2019. Collection method: clinical testing. Allele origin: germline.
Comment: This variant was observed as part of a predisposition screen in an ostensibly healthy population. A literature search was performed for the gene, cDNA change, and amino acid change (where applicable). No publications were found based on this search. Allele frequency data from public databases allowed determination this variant is unlikely to cause disease. Therefore, this variant is classified as likely benign.

Illumina Laboratory Services, Illumina
Classification: Likely benign for Senior-Loken syndrome 1. Last evaluated: 2017-04-28. Review status: criteria provided, single submitter. Criteria: ICSL Variant Classification Criteria 13 December 2019. Collection method: clinical testing. Allele origin: germline.
Comment: the same text as in the submission from Illumina Laboratory Services, Illumina above.

Illumina Laboratory Services, Illumina
Classification: Likely benign for Joubert syndrome with renal defect. Last evaluated: 2017-04-28. Review status: criteria provided, single submitter. Criteria: ICSL Variant Classification Criteria 13 December 2019. Collection method: clinical testing. Allele origin: germline.
Comment: This variant was observed as part of a predisposition screen in an ostensibly healthy population. A literature search was performed for the gene, cDNA change, and amino acid change (where applicable). Publications were found based on this search. The evidence from the literature, in combination with allele frequency data from public databases where available, was sufficient to determine this variant is unlikely to cause disease. Therefore, this variant is classified as likely benign.

Genetic Services Laboratory, University of Chicago
Classification: Benign. Last evaluated: 2017-04-27. Review status: criteria provided, single submitter. Criteria: ACMG Guidelines, 2015. Collection method: clinical testing. Allele origin: germline. Affected: no.

Eurofins Ntd Llc (ga)
Classification: Benign. Last evaluated: 2014-02-04. Review status: criteria provided, single submitter. Criteria: EGL Classification Definitions 2015. Collection method: clinical testing. Allele origin: germline. Observed: 2 variant alleles, 2 heterozygotes.

Breakthrough Genomics
Classification: Likely benign. Review status: criteria provided, single submitter. Criteria: ACMG Guidelines, 2015. Collection method: not provided. Allele origin: germline. Inheritance: Autosomal recessive inheritance. Affected: yes.

Broad Center for Mendelian Genomics, Broad Institute of MIT and Harvard
Classification: Benign for Intellectual disability, X-linked 102. Review status: criteria provided, single submitter. Criteria: ACMG Guidelines, 2015. Collection method: research. Allele origin: germline. Inheritance: Autosomal recessive inheritance. Affected: yes.
Comment: The heterozygous p.Arg5Leu variant in NPHP1 has been identified in at least 5 individuals with Bardet-Biedl syndrome (PMID: 24746959), and has been identified in >5% of Latino chromosomes and 20 homozygotes by ExAC. In vitro functional studies provide some evidence that the p.Arg5Leu variant may slightly impact protein function (PMID: 24746959). However, these types of assays may not accurately represent biological function. In summary, this variant meets criteria to be classified as benign for autosomal recessive Bardet-Biedl syndrome.

PreventionGenetics, part of Exact Sciences
Classification: Benign. Review status: criteria provided, single submitter. Criteria: ACMG Guidelines, 2015. Collection method: clinical testing. Allele origin: germline.

Literature cited by the submitters: PubMed 24746959 (cited by Illumina Laboratory Services, Illumina and Broad Center for Mendelian Genomics, Broad Institute of MIT and Harvard).

NM_001128178.3(NPHP1):c.14G>T (p.Arg5Leu)

Gene: NPHP1 (nephrocystin 1; minus strand). Cytogenetic location: 2q13.
Variant type: single nucleotide variant.
Coding change: c.14G>T on transcript NM_001128178.3 (MANE Select); coding-DNA position 14, G replaced by T.
Protein change: p.Arg5Leu; replaces arginine 5 with leucine.
Molecular consequence: missense variant.
Genome position (GRCh38, 1-based): chr2:110,204,955, C>A on the plus strand (G>T on the coding strand, the complement: NPHP1 is on the minus strand). VCF-style: chr2-110204955-C-A. GRCh37 (hg19) VCF-style: chr2-110962532-C-A.
Other names: c.14G>T, p.Arg5Leu (NM_000272.5, NM_001128179.3, NM_001374256.1 and 2 more transcripts); c.14G>T (NM_000272.4); short protein forms R5L.
Identifiers: ClinVar variation 129814 (VCV000129814.41), dbSNP rs190983114, ClinGen allele CA154144.
Genomic context (GRCh38, chr2:110,204,955, plus strand): 5'-CATACCTGTTGCTTCAGCTCCTGATTGCGGCGCCGCAGGGCCTGGAGAGGATCTCGCTGT[C>A]GTCTCGCCAGCATCTCCCTGGCTGCGGTGCTCTGATTGCTCCAGTTGCCAGGGAAACCAA-3'
Protein context (NP_001121650.1, residues 1-15): MLAR[Arg5Leu]QRDPLQALRR